The following is an entry in ClinVar:

NM_001145073.3(USP27X):c.379TCG[1] (p.Ser128del)

Gene: USP27X (ubiquitin specific peptidase 27 X-linked; plus strand). Cytogenetic location: Xp11.23.
Variant type: Microsatellite.
Coding change: c.379TCG[1] on transcript NM_001145073.3 (MANE Select); one copy of the 3-base unit TCG starting at c.379; the reference has two copies in a row; one copy, 3 bases deleted.
Protein change: p.Ser128del; deletes serine 128.
Genome position (GRCh38, 1-based): chrX:49,880,689-49,880,691, TCG deleted; deleting any 3 consecutive bases within chrX:49,880,685-49,880,691 gives the same sequence; the position shown is the placement nearest the transcript's 3' end. VCF-style (leftmost placement, unchanged base first): chrX-49880684-TGTC-T. GRCh37 (hg19) VCF-style: chrX-49645287-TGTC-T.
Other names: short protein forms S128del.
Identifiers: ClinVar variation 3907987 (VCV003907987.1).

ClinVar aggregate classification (germline): Uncertain significance (1 of 4 stars; one submission).

Submission:

GeneDx
Classification: Uncertain significance. Last evaluated: 2024-12-26. Review status: criteria provided, single submitter. Criteria: GeneDx Variant Classification Process June 2021. Collection method: clinical testing. Allele origin: germline. Affected: yes.
Comment: Not observed at significant frequency in large population cohorts (gnomAD); In-frame deletion of 1 amino acid(s) in a non-repeat region; In silico analysis does not support a benign or deleterious effect of this variant on protein structure/function; Has not been previously published as pathogenic or benign to our knowledge